The following is an entry in ClinVar:

NM_001845.6(COL4A1):c.4582C>T (p.Pro1528Ser)

Gene: COL4A1 (collagen type IV alpha 1 chain; minus strand). Cytogenetic location: 13q34.
Variant type: single nucleotide variant.
Coding change: c.4582C>T on transcript NM_001845.6 (MANE Select); coding-DNA position 4582, C replaced by T.
Protein change: p.Pro1528Ser; replaces proline 1528 with serine.
Molecular consequence: missense variant.
Genome position (GRCh38, 1-based): chr13:110,161,250, G>A on the plus strand (C>T on the coding strand, the complement: COL4A1 is on the minus strand). VCF-style: chr13-110161250-G-A. GRCh37 (hg19) VCF-style: chr13-110813597-G-A.
Other names: short protein forms P1528S.
Identifiers: ClinVar variation 1912232 (VCV001912232.5), dbSNP rs1442039139, ClinGen allele CA388657218.

ClinVar aggregate classification (germline): Uncertain significance (1 of 4 stars; one submission).

Allele frequency attached by ClinVar (database versions not stated): TOPMed 0.00001.

Submission:

Labcorp Genetics (formerly Invitae), Labcorp
Classification: Uncertain significance. Last evaluated: 2025-05-05. Review status: criteria provided, single submitter. Criteria: Invitae Variant Classification Sherloc (09022015). Collection method: clinical testing. Allele origin: germline.
Comment: This sequence change replaces proline, which is neutral and non-polar, with serine, which is neutral and polar, at codon 1528 of the COL4A1 protein (p.Pro1528Ser). This variant is not present in population databases (gnomAD no frequency). This variant has not been reported in the literature in individuals affected with COL4A1-related conditions. ClinVar contains an entry for this variant (Variation ID: 1912232). Invitae Evidence Modeling of protein sequence and biophysical properties (such as structural, functional, and spatial information, amino acid conservation, physicochemical variation, residue mobility, and thermodynamic stability) indicates that this missense variant is not expected to disrupt COL4A1 protein function with a negative predictive value of 95%. In summary, the available evidence is currently insufficient to determine the role of this variant in disease. Therefore, it has been classified as a Variant of Uncertain Significance.